The following is an entry in ClinVar:

NM_000390.4(CHM):c.993del (p.Asn332fs)

Gene: CHM (CHM Rab escort protein; minus strand). Cytogenetic location: Xq21.2.
Variant type: Deletion.
Coding change: c.993del on transcript NM_000390.4 (MANE Select); coding-DNA position 993, one base deleted (C; older notation c.993delC).
Protein change: p.Asn332fs; shifts the reading frame from asparagine 332.
Molecular consequence: frameshift variant.
Genome position (GRCh38, 1-based): chrX:85,956,326, G deleted on the plus strand (C on the coding strand, the reverse complement: CHM is on the minus strand); the first of 5 consecutive G bases (chrX:85,956,326-85,956,330); deleting any one gives the same sequence. VCF-style (leftmost placement, unchanged base first): chrX-85956325-TG-T. GRCh37 (hg19) VCF-style: chrX-85211330-TG-T.
Other names: c.549del, p.Asn184fs (NM_001320959.1, NM_001362517.1, NM_001362518.2 and 1 more transcripts); short protein forms N184fs, N332fs.
Identifiers: ClinVar variation 1069209 (VCV001069209.9), dbSNP rs2147663351, ClinGen allele CA2499226901.

ClinVar aggregate classification (germline): Pathogenic (1 of 4 stars; one submission).

Submission:

Labcorp Genetics (formerly Invitae), Labcorp
Classification: Pathogenic. Last evaluated: 2020-10-10. Review status: criteria provided, single submitter. Criteria: Invitae Variant Classification Sherloc (09022015). Collection method: clinical testing. Allele origin: germline.
Comment: For these reasons, this variant has been classified as Pathogenic. Loss-of-function variants in CHM are known to be pathogenic (PMID: 9067750, 23811034). This variant has been observed in individual(s) with choroideremia (PMID: 27247961). This variant is not present in population databases (ExAC no frequency). This sequence change creates a premature translational stop signal (p.Asn332Thrfs*12) in the CHM gene. It is expected to result in an absent or disrupted protein product.

Literature cited by the submitters: PubMed 9067750; PubMed 23811034; PubMed 27247961.